The following is an entry in ClinVar:

NM_033026.6(PCLO):c.14965G>A (p.Val4989Ile)

Gene: PCLO (piccolo presynaptic cytomatrix protein; minus strand). Cytogenetic location: 7q21.11.
Variant type: single nucleotide variant.
Coding change: c.14965G>A on transcript NM_033026.6 (MANE Select); coding-DNA position 14965, G replaced by A.
Protein change: p.Val4989Ile; replaces valine 4989 with isoleucine.
Molecular consequence: missense variant.
Genome position (GRCh38, 1-based): chr7:82,801,560, C>T on the plus strand (G>A on the coding strand, the complement: PCLO is on the minus strand). VCF-style: chr7-82801560-C-T. GRCh37 (hg19) VCF-style: chr7-82430876-C-T.
Other names: short protein forms V4989I.
Identifiers: ClinVar variation 2702569 (VCV002702569.1), dbSNP rs926295013, ClinGen allele CA161691155.

ClinVar aggregate classification (germline): Uncertain significance (1 of 4 stars; one submission).

Allele frequency attached by ClinVar (database versions not stated): gnomAD 0.00001; TOPMed 0.00001; gnomAD exomes 0.00002.
gnomAD v4.1: 32 of 1,597,374 alleles (0.002%); highest among the groups gnomAD compares: Non-Finnish European, 0.0026%; no homozygotes.

Submission:

Labcorp Genetics (formerly Invitae), Labcorp
Classification: Uncertain significance. Last evaluated: 2023-12-30. Review status: criteria provided, single submitter. Criteria: Invitae Variant Classification Sherloc (09022015). Collection method: clinical testing. Allele origin: germline.
Comment: This sequence change replaces valine, which is neutral and non-polar, with isoleucine, which is neutral and non-polar, at codon 4989 of the PCLO protein (p.Val4989Ile). This variant is present in population databases (no rsID available, gnomAD 0.0009%). This variant has not been reported in the literature in individuals affected with PCLO-related conditions. Algorithms developed to predict the effect of missense changes on protein structure and function output the following: SIFT: "Not Available"; PolyPhen-2: "Not Available"; Align-GVGD: "Not Available". The isoleucine amino acid residue is found in multiple mammalian species, which suggests that this missense change does not adversely affect protein function. In summary, the available evidence is currently insufficient to determine the role of this variant in disease. Therefore, it has been classified as a Variant of Uncertain Significance.